The following is an entry in ClinVar:

ClinVar aggregate classification (germline): Conflicting classifications of pathogenicity. Review status: criteria provided, conflicting classifications (1 of 4 stars). 21 submissions from 17 submitters: Uncertain significance (11); Benign (2); Likely benign (8). Last evaluated 2025-12-05.

Conditions:
TTN-related disorder. Also called: TTN-related condition; TTN-related disease; TTN-related disorders.
Cardiovascular phenotype. Identifiers: MedGen CN230736.
Dilated cardiomyopathy 1G (CMD1G). Identifiers: Orphanet 154, MedGen C1858763, MONDO:0011400, OMIM 604145.
Autosomal recessive limb-girdle muscular dystrophy type 2J (LGMDR10). Also called: Limb-girdle muscular dystrophy, type 2J; MUSCULAR DYSTROPHY, LIMB-GIRDLE, AUTOSOMAL RECESSIVE 10. Identifiers: Orphanet 140922, MedGen C1837342, MONDO:0012127, OMIM 608807.
Cardiomyopathy (CMYO). Also called: Cardiomyopathies. Identifiers: Orphanet 167848, MedGen C0878544, MONDO:0004994, HP:0001638. Inheritance: Various modes of inheritance.
Early-onset myopathy with fatal cardiomyopathy (CMYO5). Also called: Salih Myopathy; CONGENITAL MYOPATHY 5 WITH CARDIOMYOPATHY. Identifiers: Orphanet 289377, MedGen C2673677, MONDO:0012714, OMIM 611705. Disease mechanism: loss of function.
Myopathy, myofibrillar, 9, with early respiratory failure (MFM9). Also called: Hereditary myopathy with early respiratory failure; Myopathy, distal, with early respiratory failure, autosomal dominant; EDSTROM MYOPATHY; MYOPATHY, PROXIMAL, WITH EARLY RESPIRATORY MUSCLE INVOLVEMENT. Identifiers: Orphanet 178464, Orphanet 34521, MedGen C1863599, MONDO:0011362, OMIM 603689.
Tibial muscular dystrophy (TMD). Also called: Udd Distal Myopathy – Tibial Muscular Dystrophy; Tibial muscular dystrophy, tardive; UDD MYOPATHY. Identifiers: Orphanet 609, MedGen C1838244, MONDO:0010870, OMIM 600334.
Hypertrophic cardiomyopathy. Also called: HYPERTROPHIC MYOCARDIOPATHY. Identifiers: Orphanet 217569, MedGen C0007194, MeSH D002312, MONDO:0005045, HP:0001639.

Allele frequency attached by ClinVar (database versions not stated): gnomAD exomes 0.00054 and 0.00090; TOPMed 0.00057; ExAC 0.00061; gnomAD 0.00068 and 0.00069; ESP Exome Variant Server 0.00117.
gnomAD v4.1: 1,384 of 1,613,590 alleles (0.086%); highest among the groups gnomAD compares: Non-Finnish European, 0.11%; 4 homozygotes.

Submissions (21):

Mayo Clinic Laboratories, Mayo Clinic
Classification: Uncertain significance. Last evaluated: 2025-12-05. Review status: criteria provided, single submitter. Criteria: ACMG Guidelines, 2015. Collection method: clinical testing. Allele origin: germline. Observed: 7 variant alleles.

Women's Health and Genetics/Laboratory Corporation of America, LabCorp
Classification: Likely benign. Last evaluated: 2025-07-24. Review status: criteria provided, single submitter. Criteria: LabCorp Variant Classification Summary - May 2015. Collection method: clinical testing. Allele origin: germline.
Comment: Variant summary: TTN NM_133378 c.71522G>A (p.Arg23841His), also known as NM_001267550 c.79226G>A (p.Arg26409His), results in a non-conservative amino acid change located in the A-band domain of the encoded protein sequence. Algorithms developed to predict the effect of missense changes on protein structure and function are either unavailable or do not agree on the potential impact of this missense change. The variant allele was found at a frequency of 0.00054 in 248190 control chromosomes, predominantly at a frequency of 0.00096 within the Non-Finnish European subpopulation in the gnomAD database. The observed variant frequency within Non-Finnish European control individuals in the gnomAD database is approximately 3-fold of the estimated maximal expected allele frequency for a pathogenic variant in TTN causing Autosomal Recessive Titinopathy phenotype (0.00039). c.71522G>A has been reported in the literature in two individuals affected with Arrhythmogenic Right Ventricular Cardiomyopathy (Campuzano_2015), without strong evidence for causality. These report(s) do not provide unequivocal conclusions about association of the variant with Autosomal Recessive Titinopathy and other TTN-related diseases. To our knowledge, no experimental evidence demonstrating an impact on protein function has been reported. The following publications have been ascertained in the context of this evaluation (PMID: 26516846, 24476948). ClinVar contains an entry for this variant (Variation ID: 47372). Based on the evidence outlined above, the variant was classified as likely benign.

Molecular Diagnostic Laboratory for Inherited Cardiovascular Disease, Montreal Heart Institute
Classification: Likely benign. Last evaluated: 2025-04-09. Review status: criteria provided, single submitter. Criteria: ACMG Guidelines, 2015. Collection method: clinical testing. Allele origin: germline. Affected: no.

PreventionGenetics, part of Exact Sciences
Classification: Likely benign for TTN-related condition. Last evaluated: 2025-02-14. Review status: criteria provided, single submitter. Criteria: ACMG Guidelines, 2015. Collection method: clinical testing. Allele origin: germline.
Comment: This variant is classified as likely benign based on ACMG/AMP sequence variant interpretation guidelines (Richards et al. 2015 PMID: 25741868, with internal and published modifications).

Blueprint Genetics
Classification: Likely benign. Last evaluated: 2024-11-15. Review status: criteria provided, single submitter. Criteria: ACMG Guidelines, 2015. Collection method: clinical testing. Allele origin: germline.

Revvity Omics, Revvity
Classification: Uncertain significance. Last evaluated: 2024-07-10. Review status: criteria provided, single submitter. Criteria: ACMG Guidelines, 2015. Collection method: clinical testing. Allele origin: germline.

GeneDx
Classification: Likely benign. Last evaluated: 2020-10-28. Review status: criteria provided, single submitter. Criteria: GeneDx Variant Classification Process June 2021. Collection method: clinical testing. Allele origin: germline. Affected: yes.
Comment: This variant is associated with the following publications: (PMID: 23861362)

Athena Diagnostics
Classification: Likely benign. Last evaluated: 2020-07-15. Review status: criteria provided, single submitter. Criteria: Athena Diagnostics Criteria. Collection method: clinical testing. Allele origin: unknown.

CeGaT Center for Human Genetics Tuebingen
Classification: Uncertain significance. Last evaluated: 2019-10-01. Review status: criteria provided, single submitter. Criteria: CeGaT Center For Human Genetics Tuebingen Variant Classification Criteria Version 2. Collection method: clinical testing. Allele origin: germline. Affected: yes. Observed: 1 variant allele.

Ambry Genetics
Classification: Likely benign for Cardiovascular phenotype. Last evaluated: 2019-07-15. Review status: criteria provided, single submitter. Criteria: Ambry Variant Classification Scheme 2023. Collection method: clinical testing. Allele origin: germline.

Cambridge Genomics Laboratory, East Genomic Laboratory Hub, NHS Genomic Medicine Service
Classification: Uncertain significance for Hypertrophic cardiomyopathy. Last evaluated: 2019-06-21. Review status: criteria provided, single submitter. Criteria: ACGS Best Practice Guidelines for Variant Classification in Rare Disease 2020. Collection method: clinical testing. Allele origin: germline. Affected: yes. Observed: 1 variant allele.

Center for Advanced Laboratory Medicine, UC San Diego Health, University of California San Diego
Classification: Uncertain significance for Cardiomyopathy. Last evaluated: 2018-02-11. Review status: criteria provided, single submitter. Criteria: ACMG Guidelines, 2015. Collection method: clinical testing. Allele origin: germline. Affected: yes. Observed: 1 variant allele.

Illumina Laboratory Services, Illumina
Classification: Uncertain significance for Autosomal recessive limb-girdle muscular dystrophy type 2J. Last evaluated: 2018-01-12. Review status: criteria provided, single submitter. Criteria: ICSL Variant Classification Criteria 13 December 2019. Collection method: clinical testing. Allele origin: germline.

Illumina Laboratory Services, Illumina
Classification: Uncertain significance for Dilated cardiomyopathy 1G. Last evaluated: 2018-01-12. Review status: criteria provided, single submitter. Criteria: ICSL Variant Classification Criteria 13 December 2019. Collection method: clinical testing. Allele origin: germline.

Illumina Laboratory Services, Illumina
Classification: Uncertain significance for Early-onset myopathy with fatal cardiomyopathy. Last evaluated: 2018-01-12. Review status: criteria provided, single submitter. Criteria: ICSL Variant Classification Criteria 13 December 2019. Collection method: clinical testing. Allele origin: germline.

Illumina Laboratory Services, Illumina
Classification: Benign for Myopathy, myofibrillar, 9, with early respiratory failure. Last evaluated: 2018-01-12. Review status: criteria provided, single submitter. Criteria: ICSL Variant Classification Criteria 13 December 2019. Collection method: clinical testing. Allele origin: germline.
Comment: This variant was observed in the ICSL laboratory as part of a predisposition screen in an ostensibly healthy population. It had not been previously curated by ICSL or reported in the Human Gene Mutation Database (HGMD: prior to June 1st, 2018), and was therefore a candidate for classification through an automated scoring system. Utilizing variant allele frequency, disease prevalence and penetrance estimates, and inheritance mode, an automated score was calculated to assess if this variant is too frequent to cause the disease. Based on the score and internal cut-off values, a variant classified as benign is not then subjected to further curation. The score for this variant resulted in a classification of benign for this disease.

Illumina Laboratory Services, Illumina
Classification: Benign for Tibial muscular dystrophy. Last evaluated: 2018-01-12. Review status: criteria provided, single submitter. Criteria: ICSL Variant Classification Criteria 13 December 2019. Collection method: clinical testing. Allele origin: germline.
Comment: the same text as in the submission from Illumina Laboratory Services, Illumina above.

Labcorp Genetics (formerly Invitae), Labcorp
Classification: Uncertain significance for Dilated cardiomyopathy 1G; Autosomal recessive limb-girdle muscular dystrophy type 2J. Last evaluated: 2017-12-18. Review status: criteria provided, single submitter. Criteria: Invitae Variant Classification Sherloc (09022015). Collection method: clinical testing. Allele origin: germline.

Eurofins Ntd Llc (ga)
Classification: Uncertain significance. Last evaluated: 2017-12-15. Review status: criteria provided, single submitter. Criteria: EGL Classification Definitions 2015. Collection method: clinical testing. Allele origin: germline. Observed: 9 variant alleles, 9 heterozygotes.

Laboratory for Molecular Medicine, Mass General Brigham Personalized Medicine
Classification: Uncertain significance. Last evaluated: 2016-06-13. Review status: criteria provided, single submitter. Criteria: LMM Criteria. Collection method: clinical testing. Allele origin: germline. Observed: 3 variant alleles.
Comment: Variant classified as Uncertain Significance - Favor Benign.

Biesecker Lab/Clinical Genomics Section, National Institutes of Health
Classification: Likely benign. Last evaluated: 2013-06-24. Review status: criteria provided, single submitter. Criteria: Ng et al. (Circ Cardiovasc Genet. 2013). Collection method: research. Allele origin: unknown. Observed: 1 variant allele. Study: ClinSeq.
Comment: The study set was not selected for affection status in relation to any cancer. Pathogenicity categories were based on literature curation. See Pubmed ID:23861362 for details.

Medical sequencing

Literature cited by the submitters: PubMed 26516846 (cited by Women's Health and Genetics/Laboratory Corporation of America, LabCorp); PubMed 24476948 (cited by Women's Health and Genetics/Laboratory Corporation of America, LabCorp and Athena Diagnostics); PubMed 23861362 (cited by Ambry Genetics).

NM_001267550.2(TTN):c.79226G>A (p.Arg26409His)

Genes: TTN (titin; minus strand), TTN-AS1 (TTN antisense RNA 1; plus strand). Cytogenetic location: 2q31.2.
Variant type: single nucleotide variant.
Coding change: c.79226G>A on transcript NM_001267550.2 (MANE Select); coding-DNA position 79226, G replaced by A.
Protein change: p.Arg26409His; replaces arginine 26409 with histidine.
Molecular consequence: missense variant.
Genome position (GRCh38, 1-based): chr2:178,566,906, C>T on the plus strand (G>A on the coding strand, the complement: TTN is on the minus strand). VCF-style: chr2-178566906-C-T. GRCh37 (hg19) VCF-style: chr2-179431633-C-T.
Other names: p.R24768H:CGT>CAT; c.74303G>A, p.Arg24768His (NM_001256850.1); c.52031G>A, p.Arg17344His (NM_003319.4); c.71522G>A, p.Arg23841His (NM_133378.4); c.52406G>A, p.Arg17469His (NM_133432.3); c.52607G>A, p.Arg17536His (NM_133437.4); short protein forms R26409H, R23841H, R24768H, R17344H, R17469H, R17536H.
Identifiers: ClinVar variation 47372 (VCV000047372.73), dbSNP rs72648206, ClinGen allele CA140828.